The following is an entry in ClinVar:

ClinVar aggregate classification (germline): Uncertain significance. Review status: criteria provided, multiple submitters, no conflicts (2 of 4 stars). 2 submissions from 2 submitters: Uncertain significance (2). Last evaluated 2024-12-02.

Conditions:
Emery-Dreifuss muscular dystrophy 4, autosomal dominant (EDMD4). Also called: EMERY-DREIFUSS MUSCULAR DYSTROPHY 4 WITH VARIABLE FEATURES. Identifiers: Orphanet 261, MedGen C2751807, MONDO:0013071, OMIM 612998.
Autosomal recessive ataxia, Beauce type. Also called: SYNE1-Related Autosomal Recessive Cerebellar Ataxia; SYNE1 Deficiency; Spinocerebellar ataxia, autosomal recessive 8; ATAXIA, RECESSIVE, OF BEAUCE. Identifiers: Orphanet 88644, MedGen C1853116, MONDO:0012549, OMIM 610743.

Allele frequency attached by ClinVar (database versions not stated): TOPMed below 0.00001; gnomAD exomes 0.00001.
gnomAD v4.1: 4 of 1,614,156 alleles (0.00025%); highest among the groups gnomAD compares: Admixed American, 0.005%; no homozygotes.

Submissions (2):

Labcorp Genetics (formerly Invitae), Labcorp
Classification: Uncertain significance for Emery-Dreifuss muscular dystrophy 4, autosomal dominant; Autosomal recessive ataxia, Beauce type. Last evaluated: 2024-12-02. Review status: criteria provided, single submitter. Criteria: Invitae Variant Classification Sherloc (09022015). Collection method: clinical testing. Allele origin: germline.
Comment: This sequence change replaces lysine, which is basic and polar, with glutamic acid, which is acidic and polar, at codon 5003 of the SYNE1 protein (p.Lys5003Glu). This variant is present in population databases (no rsID available, gnomAD 0.009%). This variant has not been reported in the literature in individuals affected with SYNE1-related conditions. ClinVar contains an entry for this variant (Variation ID: 1923198). An algorithm developed to predict the effect of missense changes on protein structure and function (PolyPhen-2) suggests that this variant is likely to be tolerated. In summary, the available evidence is currently insufficient to determine the role of this variant in disease. Therefore, it has been classified as a Variant of Uncertain Significance.

Athena Diagnostics
Classification: Uncertain significance. Last evaluated: 2023-06-21. Review status: criteria provided, single submitter. Criteria: Athena Diagnostics Criteria. Collection method: clinical testing. Allele origin: unknown.
Comment: Available data are insufficient to determine the clinical significance of the variant at this time. The frequency of this variant in the general population is uninformative in assessment of its pathogenicity. Computational tools predict that this variant is not damaging.

NM_182961.4(SYNE1):c.15220A>G (p.Lys5074Glu)

Gene: SYNE1 (spectrin repeat containing nuclear envelope protein 1; minus strand). Cytogenetic location: 6q25.2.
Variant type: single nucleotide variant.
Coding change: c.15220A>G on transcript NM_182961.4 (MANE Select); coding-DNA position 15220, A replaced by G.
Protein change: p.Lys5074Glu; replaces lysine 5074 with glutamic acid.
Molecular consequence: missense variant.
Genome position (GRCh38, 1-based): chr6:152,326,369, T>C on the plus strand (A>G on the coding strand, the complement: SYNE1 is on the minus strand). VCF-style: chr6-152326369-T-C. GRCh37 (hg19) VCF-style: chr6-152647504-T-C.
Other names: c.15007A>G, p.Lys5003Glu (NM_033071.5); c.15220A>G (NM_182961.2); short protein forms K5003E, K5074E.
Identifiers: ClinVar variation 1923198 (VCV001923198.6), dbSNP rs1310828499, ClinGen allele CA366093452.